The following is an entry in ClinVar:

ClinVar aggregate classification (germline): Uncertain significance (1 of 4 stars; one submission).

Allele frequency attached by ClinVar (database versions not stated): TOPMed below 0.00001.

Submission:

Labcorp Genetics (formerly Invitae), Labcorp
Classification: Uncertain significance. Last evaluated: 2022-01-11. Review status: criteria provided, single submitter. Criteria: Invitae Variant Classification Sherloc (09022015). Collection method: clinical testing. Allele origin: germline.
Comment: This sequence change replaces glycine, which is neutral and non-polar, with aspartic acid, which is acidic and polar, at codon 344 of the COL13A1 protein (p.Gly344Asp). This variant is present in population databases (no rsID available, gnomAD 0.0009%). This variant has not been reported in the literature in individuals affected with COL13A1-related conditions. Algorithms developed to predict the effect of missense changes on protein structure and function (SIFT, PolyPhen-2, Align-GVGD) all suggest that this variant is likely to be disruptive. In summary, the available evidence is currently insufficient to determine the role of this variant in disease. Therefore, it has been classified as a Variant of Uncertain Significance.

NM_001368882.1(COL13A1):c.1001G>A (p.Gly334Asp)

Gene: COL13A1 (collagen type XIII alpha 1 chain; plus strand). Cytogenetic location: 10q22.1.
Variant type: single nucleotide variant.
Coding change: c.1001G>A on transcript NM_001368882.1 (MANE Select); coding-DNA position 1001, G replaced by A.
Protein change: p.Gly334Asp; replaces glycine 334 with aspartic acid.
Molecular consequence: missense variant.
Genome position (GRCh38, 1-based): chr10:69,919,063, G>A. VCF-style: chr10-69919063-G-A. GRCh37 (hg19) VCF-style: chr10-71678819-G-A.
Other names: c.1031G>A, p.Gly344Asp (NM_001130103.2); c.1001G>A, p.Gly334Asp (NM_001320951.2, NM_001368884.1); c.965G>A, p.Gly322Asp (NM_001368883.1, NM_001368885.1, NM_080801.4 and 1 more transcripts); c.401G>A, p.Gly134Asp (NM_001368886.1); c.911G>A, p.Gly304Asp (NM_001368895.1); c.860G>A, p.Gly287Asp (NM_001368896.1, NM_001368898.1, NM_080798.4); c.887G>A, p.Gly296Asp (NM_001368897.1); c.974G>A, p.Gly325Asp (NM_080800.4); and 1 more; short protein forms G293D, G334D, G134D, G322D, G325D, G344D, G287D, G296D.
Identifiers: ClinVar variation 1907358 (VCV001907358.2), dbSNP rs1224291285, ClinGen allele CA376928435.